The following is an entry in ClinVar:

NM_000329.3(RPE65):c.1355T>G (p.Val452Gly)

Gene: RPE65 (retinoid isomerohydrolase RPE65; minus strand). Cytogenetic location: 1p31.3.
Variant type: single nucleotide variant.
Coding change: c.1355T>G on transcript NM_000329.3 (MANE Select); coding-DNA position 1355, T replaced by G.
Protein change: p.Val452Gly; replaces valine 452 with glycine.
Molecular consequence: missense variant.
Genome position (GRCh38, 1-based): chr1:68,431,160, A>C on the plus strand (T>G on the coding strand, the complement: RPE65 is on the minus strand). VCF-style: chr1-68431160-A-C. GRCh37 (hg19) VCF-style: chr1-68896843-A-C.
Other names: NM_000329.3(RPE65):c.1355T>G; short protein forms V452G.
Identifiers: ClinVar variation 13116 (VCV000013116.15), dbSNP rs62637004, ClinGen allele CA226509.

ClinVar aggregate classification (germline): Likely pathogenic. Review status: reviewed by expert panel (3 of 4 stars). 8 submissions from 8 submitters: Likely pathogenic (1). 7 of the submissions do not count toward it. Last evaluated 2024-12-12.

Conditions:
RPE65-related recessive retinopathy. Also called: Recessive RPE65 retinopathy. Identifiers: MedGen CN305526, MONDO:0100368.
Retinitis pigmentosa 87 with choroidal involvement. Identifiers: MedGen C5231465, MONDO:0032873, OMIM 618697.
Retinitis pigmentosa 20 (RP20). Identifiers: Orphanet 791, MedGen C3151086, MONDO:0013425, OMIM 613794.
Leber congenital amaurosis 2 (LCA2). Also called: AMAUROSIS CONGENITA OF LEBER II; Autosomal Recessive RPE65-Related Retinal Degeneration. Identifiers: Orphanet 65, MedGen C1859844, MONDO:0008765, OMIM 204100. Disease mechanism: loss of function.
RPE65-related disorder. Also called: RPE65-related condition; RPE65-related disorders. Identifiers: MedGen CN239301.

Allele frequency attached by ClinVar (database versions not stated): gnomAD exomes below 0.00001 and 0.00001; gnomAD 0.00002; TOPMed 0.00002.
gnomAD v4.1: 5 of 1,613,648 alleles (0.00031%); highest among the groups gnomAD compares: African/African-American, 0.004%; no homozygotes.

Submissions (8):

ClinGen Leber Congenital Amaurosis/early Onset Retinal Dystrophy Variant Curation Expert Panel, ClinGen
Classification: Likely pathogenic for RPE65-related recessive retinopathy. Last evaluated: 2024-12-12. Review status: reviewed by expert panel. Criteria: ClinGen LCAeoRD ACMG Specifications RPE65 V1.0.0. Collection method: curation. Allele origin: germline. Inheritance: Autosomal recessive inheritance.
Comment: The NM_000329.3(RPE65):c.1355T>G (p.Val452Gly) variant is a missense variant in RPE65 causing a substitution of valine with glycine at position 452. This variant is present in gnomAD v.4.1.0 at a Grpmax allele frequency of 0.00001064, with 3/74896 alleles in the African/African American population, which is lower than the ClinGen LCA/eoRD VCEP PM2_Supporting threshold of <0.0002 (PM2_Supporting). The computational predictor REVEL gives a score of 0.945, which is above the ClinGen LCA/eoRD VCEP threshold of ≥ 0.773 and predicts a damaging effect on RPE65 function (PP3_Moderate). This variant has been reported in at least 2 probands with early-onset severe retinal dystrophy who were compound heterozygous with either the p.Arg91Trp variant or the c.11+5G>A variant confirmed in trans (2 points, PMID: 9501220; laboratory-provided internal data), which were previously classified pathogenic or likely pathogenic by the ClinGen LCA/eoRD VCEP (2 total points, PM3_Strong). In summary, this variant meets the criteria to be classified as Likely Pathogenic for RPE65-related recessive retinopathy based on the ACMG/AMP criteria applied, as specified by the ClinGen LCA/eoRD VCEP: PM2_Supporting, PP3_Moderate, PM3_Strong (VCEP specifications version 1.0.0; date of approval 09/21/2023).

PreventionGenetics, part of Exact Sciences
Classification: Likely pathogenic for RPE65-related condition. Last evaluated: 2026-01-26. Review status: criteria provided, single submitter. Criteria: ACMG Guidelines, 2015. Collection method: clinical testing. Allele origin: germline. Not counted in ClinVar's aggregate classification.
Comment: The RPE65 c.1355T>G variant is predicted to result in the amino acid substitution p.Val452Gly. This variant has been reported in individuals with RPE65-related retinal disease (Morimura et al. 1998. PubMed ID: 9501220). This variant has been classified as likely pathogenic by the ClinGen Leber Congenital Amaurosis/early Onset Retinal Dystrophy Variant Curation Expert Panel (Variation ID: 13116). This variant is reported in 0.0057% of alleles in individuals of Latino descent in gnomAD. This variant is interpreted as likely pathogenic.

Fulgent Genetics
Classification: Likely pathogenic for Leber congenital amaurosis 2; Retinitis pigmentosa 20; Retinitis pigmentosa 87 with choroidal involvement. Last evaluated: 2024-06-13. Review status: criteria provided, single submitter. Criteria: ACMG Guidelines, 2015. Collection method: clinical testing. Allele origin: germline. Not counted in ClinVar's aggregate classification.

Women's Health and Genetics/Laboratory Corporation of America, LabCorp
Classification: Uncertain significance. Last evaluated: 2023-01-05. Review status: criteria provided, single submitter. Criteria: LabCorp Variant Classification Summary - May 2015. Collection method: clinical testing. Allele origin: germline. Not counted in ClinVar's aggregate classification.
Comment: Variant summary: RPE65 c.1355T>G (p.Val452Gly) results in a non-conservative amino acid change to a highly conserved residue in the encoded protein sequence. Five of five in-silico tools predict a damaging effect of the variant on protein function. The variant allele was found at a frequency of 8e-06 in 250734 control chromosomes. The available data on variant occurrences in the general population are insufficient to allow any conclusion about variant significance. c.1355T>G has been reported in the literature in an individual affected with retinitis pigmentosa (Morimura_1998). The individual was reported as compound heterozygous with another known pathogenic missense variant. To our knowledge, no experimental evidence demonstrating an impact on protein function has been reported. Two submitters have provided clinical-significance assessments for this variant to ClinVar after 2014 without evidence for independent evaluation. One laboratory classified the variant as likely pathogenic, and one laboratory classified the variant as uncertain significance. Based on the evidence outlined above, the variant was classified as VUS.

Labcorp Genetics (formerly Invitae), Labcorp
Classification: Uncertain significance for Leber congenital amaurosis 2; Retinitis pigmentosa 20. Last evaluated: 2021-09-01. Review status: criteria provided, single submitter. Criteria: Invitae Variant Classification Sherloc (09022015). Collection method: clinical testing. Allele origin: germline. Not counted in ClinVar's aggregate classification.
Comment: This sequence change replaces valine with glycine at codon 452 of the RPE65 protein (p.Val452Gly). The valine residue is highly conserved and there is a moderate physicochemical difference between valine and glycine. This variant is not present in population databases (ExAC no frequency). This missense change has been observed in individual(s) with autosomal recessive retinitis pigmentosa (PMID: 9501220). In at least one individual the data is consistent with the variant being in trans (on the opposite chromosome) from a pathogenic variant. ClinVar contains an entry for this variant (Variation ID: 13116). Algorithms developed to predict the effect of missense changes on protein structure and function (SIFT, PolyPhen-2, Align-GVGD) all suggest that this variant is likely to be disruptive. In summary, the available evidence is currently insufficient to determine the role of this variant in disease. Therefore, it has been classified as a Variant of Uncertain Significance.

GeneDx
Classification: Likely pathogenic. Last evaluated: 2020-09-09. Review status: criteria provided, single submitter. Criteria: GeneDx Variant Classification Process June 2021. Collection method: clinical testing. Allele origin: germline. Affected: yes. Not counted in ClinVar's aggregate classification.
Comment: In silico analysis supports that this missense variant has a deleterious effect on protein structure/function; This variant is associated with the following publications: (PMID: 9501220)

OMIM
Classification: Pathogenic for RETINITIS PIGMENTOSA 20. Last evaluated: 1998-03-17. Review status: no assertion criteria provided. Collection method: literature only. Allele origin: germline. Not counted in ClinVar's aggregate classification.

Retina International
No classification provided. Review status: no classification provided. Collection method: not provided. Allele origin: not provided. Not counted in ClinVar's aggregate classification.

Literature cited by the submitters: PubMed 9501220 (cited by 3 submitters).